The following is an entry in ClinVar:

NM_001079802.2(FKTN):c.1298C>T (p.Thr433Met)

Gene: FKTN (fukutin; plus strand). Cytogenetic location: 9q31.2.
Variant type: single nucleotide variant.
Coding change: c.1298C>T on transcript NM_001079802.2 (MANE Select); coding-DNA position 1298, C replaced by T.
Protein change: p.Thr433Met; replaces threonine 433 with methionine.
Molecular consequence: missense variant. On other transcripts: 3 prime UTR variant (1), non-coding transcript variant (2), intron variant (1).
Genome position (GRCh38, 1-based): chr9:105,635,176, C>T. VCF-style: chr9-105635176-C-T. GRCh37 (hg19) VCF-style: chr9-108397457-C-T.
Other names: c.1298C>T, p.Thr433Met (NM_001351496.2, NM_006731.2); c.1229C>T, p.Thr410Met (NM_001351497.2); c.*90C>T (NM_001351498.2); c.902C>T, p.Thr301Met (NM_001351499.2, NM_001351500.2, NM_001351501.2 and 1 more transcripts); c.1270+28C>T (NM_001198963.2); short protein forms T433M, T301M, T410M.
Identifiers: ClinVar variation 570951 (VCV000570951.9), dbSNP rs201590151, ClinGen allele CA5170606.

ClinVar aggregate classification (germline): Uncertain significance. Review status: criteria provided, multiple submitters, no conflicts (2 of 4 stars). 3 submissions from 3 submitters: Uncertain significance (2). 1 of the submissions does not count toward it. Last evaluated 2023-04-27.

Conditions:
Walker-Warburg congenital muscular dystrophy. Also called: Muscular dystrophy-dystroglycanopathy, type A; Walker-Warburg syndrome. Identifiers: Orphanet 899, MedGen C0265221, MONDO:0000171.

Allele frequency attached by ClinVar (database versions not stated): gnomAD 0.00001; ExAC 0.00002; gnomAD exomes 0.00002 and 0.00003; 1000 Genomes Project 30x 0.00016; 1000 Genomes Project 0.00020.
gnomAD v4.1: 26 of 1,614,110 alleles (0.0016%); highest among the groups gnomAD compares: South Asian, 0.023%; 1 homozygote.

Submissions (3):

Women's Health and Genetics/Laboratory Corporation of America, LabCorp
Classification: Uncertain significance. Last evaluated: 2023-04-27. Review status: criteria provided, single submitter. Criteria: LabCorp Variant Classification Summary - May 2015. Collection method: clinical testing. Allele origin: germline.
Comment: Variant summary: FKTN c.1298C>T (p.Thr433Met) results in a non-conservative amino acid change in the encoded protein sequence. Four of five in-silico tools predict a damaging effect of the variant on protein function. The variant allele was found at a frequency of 3.2e-05 in 251426 control chromosomes (gnomAD). The available data on variant occurrences in the general population are insufficient to allow any conclusion about variant significance. c.1298C>T has been reported in the literature in an individual affected with Cardiomyopathy without strong evidence for causality (example: Mazzarotto_2020). This report does not provide unequivocal conclusions about association of the variant with Cardiomyopathy. To our knowledge, no experimental evidence demonstrating an impact on protein function has been reported. The following publication have been ascertained in the context of this evaluation (PMID: 31983221). Two clinical diagnostic laboratories have submitted clinical-significance assessments for this variant to ClinVar after 2014 and classified the variant as uncertain significance. Based on the evidence outlined above, the variant was classified as uncertain significance.

Labcorp Genetics (formerly Invitae), Labcorp
Classification: Uncertain significance for Walker-Warburg congenital muscular dystrophy. Last evaluated: 2022-07-06. Review status: criteria provided, single submitter. Criteria: Invitae Variant Classification Sherloc (09022015). Collection method: clinical testing. Allele origin: germline.
Comment: This sequence change replaces threonine, which is neutral and polar, with methionine, which is neutral and non-polar, at codon 433 of the FKTN protein (p.Thr433Met). This variant is present in population databases (rs201590151, gnomAD 0.02%). This variant has not been reported in the literature in individuals affected with FKTN-related conditions. ClinVar contains an entry for this variant (Variation ID: 570951). Algorithms developed to predict the effect of missense changes on protein structure and function output the following: SIFT: "Deleterious"; PolyPhen-2: "Benign"; Align-GVGD: "Class C0". The methionine amino acid residue is found in multiple mammalian species, which suggests that this missense change does not adversely affect protein function. In summary, the available evidence is currently insufficient to determine the role of this variant in disease. Therefore, it has been classified as a Variant of Uncertain Significance.

Natera, Inc.
Classification: Uncertain significance for Walker-Warburg congenital muscular dystrophy. Last evaluated: 2019-10-28. Review status: no assertion criteria provided. Collection method: clinical testing. Allele origin: germline. Not counted in ClinVar's aggregate classification.

Literature cited by the submitters: PubMed 31983221 (cited by Women's Health and Genetics/Laboratory Corporation of America, LabCorp).